The following is an entry in ClinVar:

NM_003873.7(NRP1):c.1298G>T (p.Gly433Val)

Gene: NRP1 (neuropilin 1; minus strand). Cytogenetic location: 10p11.22.
Variant type: single nucleotide variant.
Coding change: c.1298G>T on transcript NM_003873.7 (MANE Select); coding-DNA position 1298, G replaced by T.
Protein change: p.Gly433Val; replaces glycine 433 with valine.
Molecular consequence: missense variant. On other transcripts: non-coding transcript variant (1).
Genome position (GRCh38, 1-based): chr10:33,213,702, C>A on the plus strand (G>T on the coding strand, the complement: NRP1 is on the minus strand). VCF-style: chr10-33213702-C-A. GRCh37 (hg19) VCF-style: chr10-33502630-C-A.
Other names: c.1298G>T, p.Gly433Val (NM_001024628.3, NM_001024629.3, NM_001244972.2 and 2 more transcripts); short protein forms G433V.
Identifiers: ClinVar variation 4984888 (VCV004984888.1).

ClinVar aggregate classification (germline): Uncertain significance (1 of 4 stars; one submission).

Conditions:
NRP1-related disorder. Also called: NRP1-related condition.

gnomAD v4.1: 3 of 1,593,400 alleles (0.00019%); highest among the groups gnomAD compares: Non-Finnish European, 0.00026%; no homozygotes.

Submission:

PreventionGenetics, part of Exact Sciences
Classification: Uncertain significance for NRP1-related condition. Last evaluated: 2025-10-16. Review status: criteria provided, single submitter. Criteria: ACMG Guidelines, 2015. Collection method: clinical testing. Allele origin: germline.
Comment: The NRP1 c.1298G>T variant is predicted to result in the amino acid substitution p.Gly433Val. To our knowledge, this variant has not been reported in the literature or in a large population database (gnomAD), indicating this variant is rare. At this time, the clinical significance of this variant is uncertain due to the absence of conclusive functional and genetic evidence.